The following is an entry in ClinVar:

NM_017617.5(NOTCH1):c.6536G>A (p.Arg2179Gln)

Gene: NOTCH1 (notch receptor 1; minus strand). Cytogenetic location: 9q34.3.
Variant type: single nucleotide variant.
Coding change: c.6536G>A on transcript NM_017617.5 (MANE Select); coding-DNA position 6536, G replaced by A.
Protein change: p.Arg2179Gln; replaces arginine 2179 with glutamine.
Molecular consequence: missense variant.
Genome position (GRCh38, 1-based): chr9:136,497,203, C>T on the plus strand (G>A on the coding strand, the complement: NOTCH1 is on the minus strand). VCF-style: chr9-136497203-C-T. GRCh37 (hg19) VCF-style: chr9-139391655-C-T.
Other names: c.6536G>A, p.Arg2179Gln (LRG_1122t1); short protein forms R2179Q.
Identifiers: ClinVar variation 134950 (VCV000134950.8), dbSNP rs587778571, ClinGen allele CA161227.

ClinVar aggregate classification (germline): Likely benign. Review status: criteria provided, single submitter (1 of 4 stars). 2 submissions from 2 submitters: Likely benign (1). 1 of the submissions does not count toward it. Last evaluated 2025-09-10.

Conditions:
Adams-Oliver syndrome 5 (AOS5). Identifiers: Orphanet 974, MedGen C4014970, MONDO:0014459, OMIM 616028.

gnomAD v4.1: 15 of 1,612,792 alleles (0.00093%); highest among the groups gnomAD compares: Admixed American, 0.0017%; no homozygotes.

Submissions (2):

Labcorp Genetics (formerly Invitae), Labcorp
Classification: Likely benign for Adams-Oliver syndrome 5. Last evaluated: 2025-09-10. Review status: criteria provided, single submitter. Criteria: Invitae Variant Classification Sherloc (09022015). Collection method: clinical testing. Allele origin: germline.

ITMI
No classification provided. Condition: AllHighlyPenetrant. Last evaluated: 2013-09-19. Review status: no classification provided. Collection method: reference population. Allele origin: germline. Not counted in ClinVar's aggregate classification.
Comment: Please see associated publication for description of ethnicities

Literature cited by the submitters: PubMed 24728327 (cited by ITMI).